The following is an entry in ClinVar:

ClinVar aggregate classification (germline): Uncertain significance (1 of 4 stars; one submission).

Conditions:
Hajdu-Cheney syndrome (HJCYS). Also called: SERPENTINE FIBULA-POLYCYSTIC KIDNEY SYNDROME; Acroosteolysis dominant type; ACROOSTEOLYSIS WITH OSTEOPOROSIS AND CHANGES IN SKULL AND MANDIBLE. Identifiers: Orphanet 955, MedGen C0917715, MONDO:0007057, OMIM 102500.

Submission:

Labcorp Genetics (formerly Invitae), Labcorp
Classification: Uncertain significance for Hajdu-Cheney syndrome. Last evaluated: 2022-08-12. Review status: criteria provided, single submitter. Criteria: Invitae Variant Classification Sherloc (09022015). Collection method: clinical testing. Allele origin: germline.
Comment: In summary, the available evidence is currently insufficient to determine the role of this variant in disease. Therefore, it has been classified as a Variant of Uncertain Significance. Advanced modeling of protein sequence and biophysical properties (such as structural, functional, and spatial information, amino acid conservation, physicochemical variation, residue mobility, and thermodynamic stability) performed at Invitae indicates that this missense variant is not expected to disrupt NOTCH2 protein function. This sequence change replaces serine, which is neutral and polar, with cysteine, which is neutral and slightly polar, at codon 2090 of the NOTCH2 protein (p.Ser2090Cys). This variant is not present in population databases (gnomAD no frequency). This variant has not been reported in the literature in individuals affected with NOTCH2-related conditions.

NM_024408.4(NOTCH2):c.6269C>G (p.Ser2090Cys)

Gene: NOTCH2 (notch receptor 2; minus strand). Cytogenetic location: 1p12.
Variant type: single nucleotide variant.
Coding change: c.6269C>G on transcript NM_024408.4 (MANE Select); coding-DNA position 6269, C replaced by G.
Protein change: p.Ser2090Cys; replaces serine 2090 with cysteine.
Molecular consequence: missense variant.
Genome position (GRCh38, 1-based): chr1:119,916,453, G>C on the plus strand (C>G on the coding strand, the complement: NOTCH2 is on the minus strand). VCF-style: chr1-119916453-G-C. GRCh37 (hg19) VCF-style: chr1-120459076-G-C.
Other names: short protein forms S2090C.
Identifiers: ClinVar variation 1716167 (VCV001716167.6), dbSNP rs1649074725, ClinGen allele CA341879152.